The following is an entry in ClinVar:

ClinVar aggregate classification (germline): Pathogenic (1 of 4 stars; one submission).

Conditions:
Rare genetic deafness. Identifiers: Orphanet 96210, MedGen C5680250.

Submission:

Laboratory for Molecular Medicine, Mass General Brigham Personalized Medicine
Classification: Pathogenic for Rare genetic deafness. Last evaluated: 2014-02-27. Review status: criteria provided, single submitter. Criteria: LMM Criteria. Collection method: clinical testing. Allele origin: germline. Observed: 1 variant allele.
Comment: The deletion of exon 21 in OTOA has not been reported in any individuals with he aring loss. Larger deletions of the whole OTOA gene or multiple exons within th e gene have been reported in individuals with hearing loss suggesting that homoz ygous loss of function of the OTOA gene is a mechanism in hearing loss (Tsai 201 3, Shahin 2010, LMM unpublished data). In summary, this variant meets our crite ria to be classified as pathogenic.

Literature cited by the submitters: PubMed 19888295; PubMed 23897863.

NM_144672.3(OTOA):c.(?_2302)_(2431_?)del

Gene: OTOA (otoancorin). Cytogenetic location: 16p12.2.
Variant type: Deletion.
Coding change: c.(?_2302)_(2431_?)del on transcript NM_144672.3; a large deletion whose breakpoints are not mapped to the base.
Identifiers: ClinVar variation 164814 (VCV000164814.5).